The following is an entry in ClinVar:

ClinVar aggregate classification (germline): Likely benign (1 of 4 stars; one submission).

Allele frequency attached by ClinVar (database versions not stated): gnomAD exomes 0.00001.
gnomAD v4.1: 8 of 1,613,542 alleles (0.0005%); highest among the groups gnomAD compares: Non-Finnish European, 0.00068%; no homozygotes.

Submission:

GeneDx
Classification: Likely benign. Last evaluated: 2017-04-25. Review status: criteria provided, single submitter. Criteria: GeneDx Variant Classification (06012015). Collection method: clinical testing. Allele origin: germline. Affected: yes.
Comment: This variant is considered likely benign or benign based on one or more of the following criteria: it is a conservative change, it occurs at a poorly conserved position in the protein, it is predicted to be benign by multiple in silico algorithms, and/or has population frequency not consistent with disease.

NM_001267550.2(TTN):c.32694T>C (p.Thr10898=)

Gene: TTN (titin; minus strand). Cytogenetic location: 2q31.2.
Variant type: single nucleotide variant.
Coding change: c.32694T>C on transcript NM_001267550.2 (MANE Select); coding-DNA position 32694, T replaced by C.
Protein change: p.Thr10898=; no amino-acid change (threonine 10898 retained).
Molecular consequence: synonymous variant. On other transcripts: intron variant (3).
Genome position (GRCh38, 1-based): chr2:178,684,358, A>G on the plus strand (T>C on the coding strand, the complement: TTN is on the minus strand). VCF-style: chr2-178684358-A-G. GRCh37 (hg19) VCF-style: chr2-179549085-A-G.
Other names: c.31743T>C, p.Thr10581= (NM_001256850.1); c.28962T>C, p.Thr9654= (NM_133378.4); c.13283-42041T>C (NM_003319.4); c.13859-42041T>C (NM_133437.4); c.13658-42041T>C (NM_133432.3).
Identifiers: ClinVar variation 507215 (VCV000507215.1), dbSNP rs1553844266, ClinGen allele CA430129057.
Genomic context (GRCh38, chr2:178,684,358, plus strand): 5'-CAATATTGTGCATAATGGAAGGGCGGATGTACCTCTTGCTTTTGGAGGCGCCTCTTTTTT[A>G]GTTACAGCAACAAGAACTTTTTCTTCCTGGGTAATTTGCATGTGCCTCTCAGTCACTTAA-3'
Protein context (NP_001254479.2, residues 10888-10908): TQEEKVLVAV[Thr10898=]KKEAPPKARV